The following is an entry in ClinVar:

NM_024426.6(WT1):c.78G>A (p.Gly26=)

Genes: WT1 (WT1 transcription factor; minus strand), LOC107982234 (WT1/WT1-AS bi-directional promoter region; plus strand). Cytogenetic location: 11p13.
Variant type: single nucleotide variant.
Coding change: c.78G>A on transcript NM_024426.6 (MANE Select); coding-DNA position 78, G replaced by A.
Protein change: p.Gly26=; no amino-acid change (glycine 26 retained).
Molecular consequence: synonymous variant. On other transcripts: non-coding transcript variant (1).
Genome position (GRCh38, 1-based): chr11:32,435,283, C>T on the plus strand (G>A on the coding strand, the complement: WT1 is on the minus strand). VCF-style: chr11-32435283-C-T. GRCh37 (hg19) VCF-style: chr11-32456829-C-T.
Other names: c.78G>A, p.Gly26= (NM_000378.6, NM_024424.5).
Identifiers: ClinVar variation 739765 (VCV000739765.11), dbSNP rs1240715155, ClinGen allele CA473773363.
Genomic context (GRCh38, chr11:32,435,283, plus strand): 5'-GGCCCAGATGCCGCCCGGGTCCCGGACTCCCTGCTGCTCTGGCTGCTGTAGGCACCCAGG[C>T]CCGGAGCGGAGCGTGTGCTGAGACGCCGGCTCCGGGACACACGTGGAAGCCGGGTCCTGC-3'
Protein context (NP_077744.4, residues 16-36): EPASQHTLRS[Gly26=]PGCLQQPEQQ

ClinVar aggregate classification (germline): Likely benign. Review status: criteria provided, multiple submitters, no conflicts (2 of 4 stars). 2 submissions from 2 submitters: Likely benign (2). Last evaluated 2023-08-27.

Conditions:
Wilms tumor 1 (WT1). Also called: Wilms tumor, somatic. Identifiers: Orphanet 654, MedGen CN033288, MONDO:0008679, OMIM 194070.
Drash syndrome (DDS). Also called: NEPHROPATHY, WILMS TUMOR, AND GENITAL ANOMALIES; WILMS TUMOR AND PSEUDO- OR TRUE HERMAPHRODITISM. Identifiers: Orphanet 220, MedGen C0950121, MONDO:0008682, OMIM 194080.
Frasier syndrome. Identifiers: Orphanet 347, MedGen C0950122, MeSH D052159, MONDO:0007635, OMIM 136680.
11p partial monosomy syndrome (WAGR). Also called: CHROMOSOME 11p13 DELETION SYNDROME; WAGR Complex; WAGR syndrome; WAGR Spectrum Disorder. Identifiers: Orphanet 893, MedGen C0206115, MONDO:0008681, OMIM 194072.

Allele frequency attached by ClinVar (database versions not stated): gnomAD exomes below 0.00001 and 0.00002.
gnomAD v4.1: 4 of 1,534,014 alleles (0.00026%); highest among the groups gnomAD compares: Admixed American, 0.0059%; no homozygotes.

Submissions (2):

Labcorp Genetics (formerly Invitae), Labcorp
Classification: Likely benign for Wilms tumor 1; Drash syndrome; 11p partial monosomy syndrome; Frasier syndrome. Last evaluated: 2023-08-27. Review status: criteria provided, single submitter. Criteria: Invitae Variant Classification Sherloc (09022015). Collection method: clinical testing. Allele origin: germline.

All of Us Research Program, National Institutes of Health
Classification: Likely benign for Wilms tumor 1. Last evaluated: 2023-05-04. Review status: criteria provided, single submitter. Criteria: ACMG Guidelines, 2015. Collection method: clinical testing. Allele origin: germline. Inheritance: Autosomal dominant inheritance. Observed: 1 variant allele, 1 heterozygote.
Comment: This study involves interpretation of variants in research participants for the purpose of population health screening. Participant phenotype was not available at the time of variant classification. Additional details can be found in publication PMID: 35346344, PMCID: PMC8962531